The following is an entry in ClinVar:

ClinVar aggregate classification (germline): Uncertain significance (1 of 4 stars; one submission).

Allele frequency attached by ClinVar (database versions not stated): ESP Exome Variant Server 0.00023.
gnomAD v4.1: 20 of 1,435,300 alleles (0.0014%); highest among the groups gnomAD compares: African/African-American, 0.027%; no homozygotes.

Submission:

Women's Health and Genetics/Laboratory Corporation of America, LabCorp
Classification: Uncertain significance. Last evaluated: 2024-03-12. Review status: criteria provided, single submitter. Criteria: LabCorp Variant Classification Summary - May 2015. Collection method: clinical testing. Allele origin: germline.
Comment: Variant summary: CD36 c.610-5T>G alters a conserved nucleotide located close to a canonical splice site and therefore could affect mRNA splicing, leading to a significantly altered protein sequence. Computational tools predict a significant impact on normal splicing: one predicts the variant weakens a 3' acceptor site. However, these predictions have yet to be confirmed by functional studies. The variant allele was found at a frequency of 2.4e-05 in 250508 control chromosomes (gnomAD). The available data on variant occurrences in the general population are insufficient to allow any conclusion about variant significance. To our knowledge, no occurrence of c.610-5T>G in individuals affected with CD36-Related Disorders and no experimental evidence demonstrating its impact on protein function have been reported. No submitters have cited clinical-significance assessments for this variant to ClinVar. Based on the evidence outlined above, the variant was classified as uncertain significance.

NM_001001548.3(CD36):c.610-5T>G

Gene: CD36 (CD36 molecule (CD36 blood group); plus strand). Cytogenetic location: 7q21.11.
Variant type: single nucleotide variant.
Coding change: c.610-5T>G on transcript NM_001001548.3 (MANE Select); 5 bases into the intron before coding-DNA position 610, T replaced by G.
Molecular consequence: intron variant.
Genome position (GRCh38, 1-based): chr7:80,664,401, T>G. VCF-style: chr7-80664401-T-G. GRCh37 (hg19) VCF-style: chr7-80293717-T-G.
Other names: c.610-5T>G (NM_001371075.1, NM_001001547.3, NM_001371074.1 and 6 more transcripts); c.145-5T>G (NM_001371081.1, NM_001371080.1); c.382-5T>G (NM_001289911.2); c.508-5T>G (NM_001371079.1); c.430-5T>G (NM_001289909.1).
Identifiers: ClinVar variation 3233481 (VCV003233481.2), dbSNP rs185913608, ClinGen allele CA4315279.